The following is an entry in ClinVar:

ClinVar aggregate classification (germline): Pathogenic (1 of 4 stars; one submission).

Submission:

Labcorp Genetics (formerly Invitae), Labcorp
Classification: Pathogenic. Last evaluated: 2021-09-29. Review status: criteria provided, single submitter. Criteria: Invitae Variant Classification Sherloc (09022015). Collection method: clinical testing. Allele origin: germline.
Comment: This sequence change creates a premature translational stop signal (p.Ala1872Leufs*64) in the USH2A gene. It is expected to result in an absent or disrupted protein product. Loss-of-function variants in USH2A are known to be pathogenic (PMID: 10729113, 10909849, 20507924, 25649381). This variant is not present in population databases (ExAC no frequency). This premature translational stop signal has been observed in individual(s) with clinical features of USH2A-related conditions (PMID: 26872967). ClinVar contains an entry for this variant (Variation ID: 1069610). For these reasons, this variant has been classified as Pathogenic.

Literature cited by the submitters: PubMed 10729113; PubMed 10909849; PubMed 20507924; PubMed 25649381; PubMed 26872967.

NM_206933.4(USH2A):c.5614_5615insTAACTTGGCAT (p.Ala1872fs)

Genes: USH2A (usherin; minus strand), USH2A-AS2 (USH2A antisense RNA 2; plus strand). Cytogenetic location: 1q41.
Variant type: Insertion.
Coding change: c.5614_5615insTAACTTGGCAT on transcript NM_206933.4 (MANE Select); coding-DNA positions 5614 to 5615, TAACTTGGCAT inserted.
Protein change: p.Ala1872fs; shifts the reading frame from alanine 1872.
Molecular consequence: frameshift variant.
Genome position: GRCh38 VCF-style: chr1-216073258-G-GATGCCAAGTTA. GRCh37 (hg19) VCF-style: chr1-216246600-G-GATGCCAAGTTA.
Other names: short protein forms A1872fs.
Identifiers: ClinVar variation 1069610 (VCV001069610.2), dbSNP rs2031623445, ClinGen allele CA1220543635.